The following is an entry in ClinVar:

ClinVar aggregate classification (germline): Uncertain significance (1 of 4 stars; one submission).

Submission:

Labcorp Genetics (formerly Invitae), Labcorp
Classification: Uncertain significance. Last evaluated: 2023-03-26. Review status: criteria provided, single submitter. Criteria: Invitae Variant Classification Sherloc (09022015). Collection method: clinical testing. Allele origin: germline.
Comment: In summary, the available evidence is currently insufficient to determine the role of this variant in disease. Therefore, it has been classified as a Variant of Uncertain Significance. This variant has not been reported in the literature in individuals affected with EFEMP1-related conditions. This variant results in a copy number gain of the genomic region encompassing exon(s) 3-5 of the EFEMP1 gene. This region includes the initiator codon of the gene. This copy number gain extends beyond the assayed region for this gene and therefore may encompass additional genes. As the precise location of this event is unknown, it may be in tandem or it may be located elsewhere in the genome.

NC_000002.11:g.(?_56144780)_(56149575_?)dup

Gene: EFEMP1 (EGF containing fibulin extracellular matrix protein 1; minus strand). Cytogenetic location: 2p16.1.
Variant type: Duplication.
Identifiers: ClinVar variation 2423542 (VCV002423542.4).